The following is an entry in ClinVar:

ClinVar aggregate classification (germline): Conflicting classifications of pathogenicity. Review status: criteria provided, conflicting classifications (1 of 4 stars). 4 submissions from 4 submitters: Likely pathogenic (1); Uncertain significance (3). Last evaluated 2026-03-27.

Conditions:
Spastic paraplegia. Identifiers: MedGen C0037772, HP:0001258.
Hereditary spastic paraplegia 35. Also called: Spastic paraplegia 35; LEUKODYSTROPHY, DYSMYELINATING, AND SPASTIC PARAPARESIS WITH OR WITHOUT DYSTONIA; Spastic paraplegia 35, autosomal recessive; SPASTIC PARAPLEGIA 35, AUTOSOMAL RECESSIVE, WITH OR WITHOUT NEURODEGENERATION. Identifiers: Orphanet 171629, MedGen C3496228, MONDO:0012866, OMIM 612319.

Allele frequency attached by ClinVar (database versions not stated): gnomAD exomes 0.00003; TOPMed 0.00003; ExAC 0.00004; gnomAD 0.00005.
gnomAD v4.1: 69 of 1,556,456 alleles (0.0044%); highest among the groups gnomAD compares: Non-Finnish European, 0.0059%; no homozygotes.

Submissions (4):

Women's Health and Genetics/Laboratory Corporation of America, LabCorp
Classification: Uncertain significance. Last evaluated: 2026-03-27. Review status: criteria provided, single submitter. Criteria: LabCorp Variant Classification Summary - May 2015. Collection method: clinical testing. Allele origin: germline.
Comment: Variant summary: FA2H c.1119A>T (p.X373CysextX48) changes the termination codon and is predicted to lead to an extended protein with additional amino acids added to the normal C-terminus. FA2H c.1119A>T (p.X373CysextX48) causes a frameshift which results in an extension of the protein. The variant allele was found at a frequency of 3e-05 in 167536 control chromosomes. The available data on variant occurrences in the general population are insufficient to allow any conclusion about variant significance. c.1119A>T has been observed in an individual affected with Hereditary Spastic Paraplegia 35 (Krenn_2020). These data do not allow any conclusion about variant significance. To our knowledge, no experimental evidence demonstrating an impact on protein function has been reported. The following publications have been ascertained in the context of this evaluation (PMID: 31407473, 38127101). ClinVar contains an entry for this variant (Variation ID: 807415). Based on the evidence outlined above, the variant was classified as uncertain significance.

Labcorp Genetics (formerly Invitae), Labcorp
Classification: Uncertain significance for Spastic paraplegia. Last evaluated: 2022-05-04. Review status: criteria provided, single submitter. Criteria: Invitae Variant Classification Sherloc (09022015). Collection method: clinical testing. Allele origin: germline.
Comment: This sequence change disrupts the translational stop signal of the FA2H mRNA. It is expected to extend the length of the FA2H protein by 48 additional amino acid residues. This variant is present in population databases (rs758814013, gnomAD 0.02%). This protein extension has been observed in individual(s) with clinical features of autosomal recessive FA2H-related conditions (PMID: 31407473). ClinVar contains an entry for this variant (Variation ID: 807415). Experimental studies and prediction algorithms are not available or were not evaluated, and the functional significance of this variant is currently unknown. In summary, the available evidence is currently insufficient to determine the role of this variant in disease. Therefore, it has been classified as a Variant of Uncertain Significance.

CeGaT Center for Human Genetics Tuebingen
Classification: Uncertain significance. Last evaluated: 2022-03-01. Review status: criteria provided, single submitter. Criteria: CeGaT Center For Human Genetics Tuebingen Variant Classification Criteria Version 2. Collection method: clinical testing. Allele origin: germline. Affected: yes. Observed: 1 variant allele.
Comment: FA2H: PM2, PM4, PM3:Supporting

Institute of Human Genetics Munich, TUM University Hospital
Classification: Likely pathogenic for Hereditary spastic paraplegia 35. Last evaluated: 2019-06-07. Review status: criteria provided, single submitter. Criteria: Classification criteria August 2017. Collection method: clinical testing. Allele origin: germline. Inheritance: Autosomal recessive inheritance. Affected: yes. Observed: 1 compound heterozygote.

Literature cited by the submitters: PubMed 31407473 (cited by Women's Health and Genetics/Laboratory Corporation of America, LabCorp and Labcorp Genetics (formerly Invitae), Labcorp); PubMed 38127101 (cited by Women's Health and Genetics/Laboratory Corporation of America, LabCorp).

NM_024306.5(FA2H):c.1119A>T (p.Ter373Cys)

Gene: FA2H (fatty acid 2-hydroxylase; minus strand). Cytogenetic location: 16q23.1.
Variant type: single nucleotide variant.
Coding change: c.1119A>T on transcript NM_024306.5 (MANE Select); coding-DNA position 1119, A replaced by T.
Protein change: p.Ter373Cys.
Molecular consequence: stop lost.
Genome position (GRCh38, 1-based): chr16:74,714,190, T>A on the plus strand (A>T on the coding strand, the complement: FA2H is on the minus strand). VCF-style: chr16-74714190-T-A. GRCh37 (hg19) VCF-style: chr16-74748088-T-A.
Identifiers: ClinVar variation 807415 (VCV000807415.38), dbSNP rs758814013, ClinGen allele CA8170301.